The following is an entry in ClinVar:

NM_001161352.2(KCNMA1):c.3673C>T (p.Arg1225Trp)

Gene: KCNMA1 (potassium calcium-activated channel subfamily M alpha 1; minus strand). Cytogenetic location: 10q22.3.
Variant type: single nucleotide variant.
Coding change: c.3673C>T on transcript NM_001161352.2 (MANE Select); coding-DNA position 3673, C replaced by T.
Protein change: p.Arg1225Trp; replaces arginine 1225 with tryptophan.
Molecular consequence: missense variant.
Genome position (GRCh38, 1-based): chr10:76,887,304, G>A on the plus strand (C>T on the coding strand, the complement: KCNMA1 is on the minus strand). VCF-style: chr10-76887304-G-A. GRCh37 (hg19) VCF-style: chr10-78647062-G-A.
Other names: c.3511C>T, p.Arg1171Trp (NM_001014797.3); c.3622C>T, p.Arg1208Trp (NM_001161353.2); c.3349C>T, p.Arg1117Trp (NM_001271518.2); c.3589C>T, p.Arg1197Trp (NM_001271519.2); c.3508C>T, p.Arg1170Trp (NM_001322829.2, NM_001322836.2); c.3601C>T, p.Arg1201Trp (NM_001322830.2); c.3499C>T, p.Arg1167Trp (NM_001322832.2, NM_002247.4); c.3592C>T, p.Arg1198Trp (NM_001322835.2, NM_001322837.2); and 1 more; short protein forms R1117W, R1170W, R1171W, R1016W, R1167W, R1197W, R1201W, R1208W.
Identifiers: ClinVar variation 848479 (VCV000848479.20), dbSNP rs148648986, ClinGen allele CA5567793.
Genomic context (GRCh38, chr10:76,887,304, plus strand): 5'-ACAGTGGCGGTGGATACACATATCAAAGCCGCTCTTCCTGCACGTACTTCTGTTTGTCCC[G>A]GGACTCCCTGGACTTGGGCCGGTTCTGTCGGTTTGCTGTGGATGGGATGGAGTGAACAGA-3'
Protein context (NP_001154824.1, residues 1215-1235): RQNRPKSRES[Arg1225Trp]DKQKYVQEER

ClinVar aggregate classification (germline): Uncertain significance. Review status: criteria provided, multiple submitters, no conflicts (2 of 4 stars). 7 submissions from 7 submitters: Uncertain significance (7). Last evaluated 2026-06-02.

Conditions:
Inborn genetic diseases. Identifiers: MedGen C0950123, MeSH D030342.
Generalized epilepsy-paroxysmal dyskinesia syndrome (PNKD3). Also called: Generalized epilepsy and paroxysmal dyskinesia; Paroxysmal nonkinesigenic dyskinesia, 3, with or without generalized epilepsy. Identifiers: Orphanet 79137, MedGen C5574945, MONDO:0012276, OMIM 609446.
KCNMA1-related disorder. Also called: KCNMA1-related disorders; KCNMA1-related condition.

Allele frequency attached by ClinVar (database versions not stated): TOPMed 0.00010; ExAC 0.00003; gnomAD 0.00003; gnomAD exomes 0.00015 and 0.00008; ESP Exome Variant Server 0.00023.
gnomAD v4.1: 226 of 1,613,932 alleles (0.014%); highest among the groups gnomAD compares: Non-Finnish European, 0.018%; no homozygotes.

Submissions (7):

Women's Health and Genetics/Laboratory Corporation of America, LabCorp
Classification: Uncertain significance. Last evaluated: 2026-06-02. Review status: criteria provided, single submitter. Criteria: LabCorp Variant Classification Summary - May 2015. Collection method: clinical testing. Allele origin: germline.
Comment: Variant summary: KCNMA1 c.3673C>T (p.Arg1225Trp) results in a non-conservative amino acid change in the encoded protein sequence. Algorithms developed to predict the effect of missense changes on protein structure and function all suggest that this variant is likely to be disruptive. The variant allele was found at a frequency of 7.6e-05 in 251440 control chromosomes. This frequency is not significantly higher than estimated for disease-causing variants in KCNMA1, allowing no conclusion about variant significance. To our knowledge, no occurrence of c.3673C>T in individuals affected with KCNMA1-related conditions and no experimental evidence demonstrating its impact on protein function have been reported. ClinVar contains an entry for this variant (Variation ID: 848479). Based on the evidence outlined above, the variant was classified as uncertain significance.

Ambry Genetics
Classification: Uncertain significance for Inborn genetic diseases. Last evaluated: 2026-04-23. Review status: criteria provided, single submitter. Criteria: Ambry Variant Classification Scheme 2023. Collection method: clinical testing. Allele origin: germline.
Comment: The c.3499C>T (p.R1167W) alteration is located in exon 27 (coding exon 27) of the KCNMA1 gene. This alteration results from a C to T substitution at nucleotide position 3499, causing the arginine (R) at amino acid position 1167 to be replaced by a tryptophan (W). Based on data from gnomAD, the T allele has an overall frequency of 0.007% (21/282820) total alleles studied. The highest observed frequency was 0.013% (17/129134) of European (non-Finnish) alleles. Based on insufficient or conflicting evidence, the clinical significance of this alteration remains unclear.

Labcorp Genetics (formerly Invitae), Labcorp
Classification: Uncertain significance for Generalized epilepsy-paroxysmal dyskinesia syndrome. Last evaluated: 2025-11-15. Review status: criteria provided, single submitter. Criteria: Invitae Variant Classification Sherloc (09022015). Collection method: clinical testing. Allele origin: germline.
Comment: This sequence change replaces arginine, which is basic and polar, with tryptophan, which is neutral and slightly polar, at codon 1167 of the KCNMA1 protein (p.Arg1167Trp). This variant is present in population databases (rs148648986, gnomAD 0.01%). This variant has not been reported in the literature in individuals affected with KCNMA1-related conditions. ClinVar contains an entry for this variant (Variation ID: 848479). An algorithm developed to predict the effect of missense changes on protein structure and function (PolyPhen-2) suggests that this variant is likely to be disruptive. In summary, the available evidence is currently insufficient to determine the role of this variant in disease. Therefore, it has been classified as a Variant of Uncertain Significance.

GeneDx
Classification: Uncertain significance. Last evaluated: 2024-07-24. Review status: criteria provided, single submitter. Criteria: GeneDx Variant Classification Process June 2021. Collection method: clinical testing. Allele origin: germline. Affected: yes.
Comment: In silico analysis indicates that this missense variant does not alter protein structure/function; Has not been previously published as pathogenic or benign to our knowledge

Blueprint Genetics
Classification: Uncertain significance. Last evaluated: 2023-12-13. Review status: criteria provided, single submitter. Criteria: ACMG Guidelines, 2015. Collection method: clinical testing. Allele origin: germline.

PreventionGenetics, part of Exact Sciences
Classification: Uncertain significance for KCNMA1-related condition. Last evaluated: 2023-04-04. Review status: criteria provided, single submitter. Criteria: ACMG Guidelines, 2015. Collection method: clinical testing. Allele origin: germline.
Comment: The KCNMA1 c.3499C>T variant is predicted to result in the amino acid substitution p.Arg1167Trp. To our knowledge, this variant has not been reported in the literature. This variant is reported in 0.013% of alleles in individuals of European (Non-Finnish) descent in gnomAD. At this time, the clinical significance of this variant is uncertain due to the absence of conclusive functional and genetic evidence.

Illumina Laboratory Services, Illumina
Classification: Uncertain significance for Generalized epilepsy-paroxysmal dyskinesia syndrome. Last evaluated: 2017-04-27. Review status: criteria provided, single submitter. Criteria: ICSL Variant Classification Criteria 13 December 2019. Collection method: clinical testing. Allele origin: germline.